The following is an entry in ClinVar:

NM_001458.5(FLNC):c.1589A>T (p.Asp530Val)

Gene: FLNC (filamin C; plus strand). Cytogenetic location: 7q32.1.
Variant type: single nucleotide variant.
Coding change: c.1589A>T on transcript NM_001458.5 (MANE Select); coding-DNA position 1589, A replaced by T.
Protein change: p.Asp530Val; replaces aspartic acid 530 with valine.
Molecular consequence: missense variant.
Genome position (GRCh38, 1-based): chr7:128,840,587, A>T. VCF-style: chr7-128840587-A-T. GRCh37 (hg19) VCF-style: chr7-128480641-A-T.
Other names: c.1589A>T, p.Asp530Val (NM_001127487.2); short protein forms D530V.
Identifiers: ClinVar variation 471981 (VCV000471981.10), dbSNP rs1371853934, ClinGen allele CA369226542.

ClinVar aggregate classification (germline): Uncertain significance. Review status: criteria provided, multiple submitters, no conflicts (2 of 4 stars). 2 submissions from 2 submitters: Uncertain significance (2). Last evaluated 2020-09-22.

Conditions:
Myofibrillar myopathy 5. Also called: FILAMINOPATHY, AUTOSOMAL DOMINANT; Filaminopathy (type). Identifiers: Orphanet 171445, MedGen C1836050, MONDO:0012289, OMIM 609524.
Distal myopathy with posterior leg and anterior hand involvement. Also called: WILLIAMS DISTAL MYOPATHY. Identifiers: Orphanet 63273, MedGen C3279722, MONDO:0013550, OMIM 614065.
Hypertrophic cardiomyopathy 26. Also called: Cardiomyopathy, familial hypertrophic, 26. Identifiers: Orphanet 75249, MedGen C4310749, MONDO:0014883, OMIM 617047.

Allele frequency attached by ClinVar (database versions not stated): gnomAD 0.00006.

Submissions (2):

Blueprint Genetics
Classification: Uncertain significance. Last evaluated: 2020-09-22. Review status: criteria provided, single submitter. Criteria: ACMG Guidelines, 2015. Collection method: clinical testing. Allele origin: germline.

Labcorp Genetics (formerly Invitae), Labcorp
Classification: Uncertain significance for Distal myopathy with posterior leg and anterior hand involvement; Myofibrillar myopathy 5; Hypertrophic cardiomyopathy 26. Last evaluated: 2017-07-23. Review status: criteria provided, single submitter. Criteria: Invitae Variant Classification Sherloc (09022015). Collection method: clinical testing. Allele origin: germline.
Comment: This variant has not been reported in the literature in individuals with FLNC-related disease. This variant is not present in population databases (ExAC no frequency). This sequence change replaces aspartic acid with valine at codon 530 of the FLNC protein (p.Asp530Val). The aspartic acid residue is moderately conserved and there is a large physicochemical difference between aspartic acid and valine. Algorithms developed to predict the effect of missense changes on protein structure and function do not agree on the potential impact of this missense change (SIFT: "Deleterious"; PolyPhen-2: "Benign"; Align-GVGD: "Class C0"). Algorithms developed to predict the effect of sequence changes on RNA splicing suggest that this variant may create or strengthen a splice site, but this prediction has not been confirmed by published transcriptional studies. In summary, the available evidence is currently insufficient to determine the role of this variant in disease. Therefore, it has been classified as a Variant of Uncertain Significance.